The following is an entry in ClinVar:

NM_001374385.1(ATP8B1):c.182-9310T>A

Gene: ATP8B1 (ATPase phospholipid transporting 8B1; minus strand). Cytogenetic location: 18q21.31.
Variant type: single nucleotide variant.
Coding change: c.182-9310T>A on transcript NM_001374385.1 (MANE Select); 9310 bases into the intron before coding-DNA position 182, T replaced by A.
Molecular consequence: intron variant.
Genome position (GRCh38, 1-based): chr18:57,715,897, A>T on the plus strand (T>A on the coding strand, the complement: ATP8B1 is on the minus strand). VCF-style: chr18-57715897-A-T. GRCh37 (hg19) VCF-style: chr18-55383129-A-T.
Other names: c.182-9310T>A (NM_005603.6); c.130-11229T>A (NM_001374386.1).
Identifiers: ClinVar variation 4846241 (VCV004846241.1).

ClinVar aggregate classification (germline): Likely benign (1 of 4 stars; one submission).

Conditions:
Familial intrahepatic cholestasis. Identifiers: Orphanet 284385, MedGen CN296401, MONDO:0017290.

gnomAD v4.1: 5 of 152,226 alleles (0.0033%); highest among the groups gnomAD compares: Admixed American, 0.033%; no homozygotes.

Submission:

Genomenon, Inc
Classification: Likely benign for Familial intrahepatic cholestasis. Last evaluated: 2026-04-14. Review status: criteria provided, single submitter. Criteria: Genomenon Sequence Variant Interpretation Standards - Updated. Collection method: curation. Allele origin: germline. Affected: no.
Comment: ATP8B1 c.182-9310T>A is a deep intronic variant located in intron 2. This variant has been reported in the published literature (PMID:37269902). It is absent or not present at a significant frequency in gnomAD. This intronic variant is not predicted to impact splicing. In conclusion, we classify ATP8B1 c.182-9310T>A as a likely benign variant.

Literature cited by the submitters: PubMed 37269902.